The following is an entry in ClinVar:

NM_147127.5(EVC2):c.1700C>T (p.Ser567Phe)

Gene: EVC2 (EvC ciliary complex subunit 2; minus strand). Cytogenetic location: 4p16.2.
Variant type: single nucleotide variant.
Coding change: c.1700C>T on transcript NM_147127.5 (MANE Select); coding-DNA position 1700, C replaced by T.
Protein change: p.Ser567Phe; replaces serine 567 with phenylalanine.
Molecular consequence: missense variant.
Genome position (GRCh38, 1-based): chr4:5,631,803, G>A on the plus strand (C>T on the coding strand, the complement: EVC2 is on the minus strand). VCF-style: chr4-5631803-G-A. GRCh37 (hg19) VCF-style: chr4-5633530-G-A.
Other names: c.1460C>T, p.Ser487Phe (NM_001166136.2); short protein forms S487F, S567F.
Identifiers: ClinVar variation 2142499 (VCV002142499.1), dbSNP rs775103557, ClinGen allele CA2834980.

ClinVar aggregate classification (germline): Uncertain significance (1 of 4 stars; one submission).

Conditions:
Curry-Hall syndrome (WAD). Also called: WEYERS ACRODENTAL DYSOSTOSIS. Identifiers: Orphanet 952, MedGen C0457013, MONDO:0008673, OMIM 193530.
Ellis-van Creveld syndrome (EVC). Also called: MESOECTODERMAL DYSPLASIA; EVC-Related Ellis-van Creveld Syndrome; EVC2-Related Ellis-van Creveld Syndrome; Chondroectodermal dysplasia. Identifiers: Orphanet 289, MedGen C0013903, MONDO:0009162, OMIM 225500.

Allele frequency attached by ClinVar (database versions not stated): gnomAD 0.00002; gnomAD exomes 0.00008; ExAC 0.00021.
gnomAD v4.1: 121 of 1,613,886 alleles (0.0075%); highest among the groups gnomAD compares: South Asian, 0.13%; 2 homozygotes.

Submission:

Labcorp Genetics (formerly Invitae), Labcorp
Classification: Uncertain significance for Curry-Hall syndrome; Ellis-van Creveld syndrome. Last evaluated: 2021-11-22. Review status: criteria provided, single submitter. Criteria: Invitae Variant Classification Sherloc (09022015). Collection method: clinical testing. Allele origin: germline.
Comment: This sequence change replaces serine, which is neutral and polar, with phenylalanine, which is neutral and non-polar, at codon 567 of the EVC2 protein (p.Ser567Phe). This variant is present in population databases (rs775103557, gnomAD 0.2%). This variant has not been reported in the literature in individuals affected with EVC2-related conditions. Algorithms developed to predict the effect of missense changes on protein structure and function are either unavailable or do not agree on the potential impact of this missense change (SIFT: "Tolerated"; PolyPhen-2: "Possibly Damaging"; Align-GVGD: "Class C0"). In summary, the available evidence is currently insufficient to determine the role of this variant in disease. Therefore, it has been classified as a Variant of Uncertain Significance.